The following is an entry in ClinVar:

ClinVar aggregate classification (germline): Uncertain significance (1 of 4 stars; one submission).

Conditions:
Inborn genetic diseases. Identifiers: MedGen C0950123, MeSH D030342.

Submission:

Ambry Genetics
Classification: Uncertain significance for Inborn genetic diseases. Last evaluated: 2026-02-17. Review status: criteria provided, single submitter. Criteria: Ambry Variant Classification Scheme 2023. Collection method: clinical testing. Allele origin: germline.
Comment: The c.1837T>C (p.Y613H) alteration is located in exon 18 (coding exon 18) of the ATP11A gene. This alteration results from a T to C substitution at nucleotide position 1837, causing the tyrosine (Y) at amino acid position 613 to be replaced by a histidine (H). This variant was not reported in population-based cohorts in the Genome Aggregation Database (gnomAD). This amino acid position is highly conserved in available vertebrate species. This alteration is predicted to be deleterious by in silico analysis. Based on insufficient or conflicting evidence, the clinical significance of this alteration remains unclear.

NM_015205.3(ATP11A):c.1837T>C (p.Tyr613His)

Gene: ATP11A (ATPase phospholipid transporting 11A; plus strand). Cytogenetic location: 13q34.
Variant type: single nucleotide variant.
Coding change: c.1837T>C on transcript NM_015205.3 (MANE Select); coding-DNA position 1837, T replaced by C.
Protein change: p.Tyr613His; replaces tyrosine 613 with histidine.
Molecular consequence: missense variant.
Genome position (GRCh38, 1-based): chr13:112,851,064, T>C. VCF-style: chr13-112851064-T-C. GRCh37 (hg19) VCF-style: chr13-113505378-T-C.
Other names: c.1837T>C, p.Tyr613His (NM_001405661.1, NM_001405662.1, NM_001405663.1 and 1 more transcripts); short protein forms Y613H.
Identifiers: ClinVar variation 2477264 (VCV002477264.3), dbSNP rs1477345270, ClinGen allele CA388763521.